The following is an entry in ClinVar:

NM_032408.4(BAZ1B):c.4344A>G (p.Pro1448=)

Gene: BAZ1B (bromodomain adjacent to zinc finger domain 1B; minus strand). Cytogenetic location: 7q11.23.
Variant type: single nucleotide variant.
Coding change: c.4344A>G on transcript NM_032408.4 (MANE Select); coding-DNA position 4344, A replaced by G.
Protein change: p.Pro1448=; no amino-acid change (proline 1448 retained).
Molecular consequence: synonymous variant.
Genome position (GRCh38, 1-based): chr7:73,442,304, T>C on the plus strand (A>G on the coding strand, the complement: BAZ1B is on the minus strand). VCF-style: chr7-73442304-T-C. GRCh37 (hg19) VCF-style: chr7-72856634-T-C.
Other names: c.4344A>G, p.Pro1448= (NM_001370402.1).
Identifiers: ClinVar variation 788296 (VCV000788296.9), dbSNP rs144397980, ClinGen allele CA4287223.

ClinVar aggregate classification (germline): Benign/Likely benign. Review status: criteria provided, multiple submitters, no conflicts (2 of 4 stars). 2 submissions from 2 submitters: Benign (1); Likely benign (1). Last evaluated 2026-01-01.

Allele frequency attached by ClinVar (database versions not stated): ESP Exome Variant Server 0.00015; gnomAD exomes 0.00040 and 0.00182; gnomAD 0.00057 and 0.00058; TOPMed 0.00089; 1000 Genomes Project 0.00100; 1000 Genomes Project 30x 0.00125; ExAC 0.00134.
gnomAD v4.1: 657 of 1,614,164 alleles (0.041%); highest among the groups gnomAD compares: Admixed American, 1%; 5 homozygotes.

Submissions (2):

CeGaT Center for Human Genetics Tuebingen
Classification: Likely benign. Last evaluated: 2026-01-01. Review status: criteria provided, single submitter. Criteria: CeGaT Center For Human Genetics Tuebingen Variant Classification Criteria Version 2. Collection method: clinical testing. Allele origin: germline. Affected: yes. Observed: 2 variant alleles.
Comment: BAZ1B: BP4, BP7, BS1

Labcorp Genetics (formerly Invitae), Labcorp
Classification: Benign. Last evaluated: 2019-12-31. Review status: criteria provided, single submitter. Criteria: Invitae Variant Classification Sherloc (09022015). Collection method: clinical testing. Allele origin: germline.